The following is an entry in ClinVar:

NM_000168.6(GLI3):c.3984C>T (p.Leu1328=)

Gene: GLI3 (GLI family zinc finger 3; minus strand). Cytogenetic location: 7p14.1.
Variant type: single nucleotide variant.
Coding change: c.3984C>T on transcript NM_000168.6 (MANE Select); coding-DNA position 3984, C replaced by T.
Protein change: p.Leu1328=; no amino-acid change (leucine 1328 retained).
Molecular consequence: synonymous variant.
Genome position (GRCh38, 1-based): chr7:41,965,089, G>A on the plus strand (C>T on the coding strand, the complement: GLI3 is on the minus strand). VCF-style: chr7-41965089-G-A. GRCh37 (hg19) VCF-style: chr7-42004687-G-A.
Identifiers: ClinVar variation 360227 (VCV000360227.32), dbSNP rs148940743, ClinGen allele CA4230214.

ClinVar aggregate classification (germline): Benign/Likely benign. Review status: criteria provided, multiple submitters, no conflicts (2 of 4 stars). 7 submissions from 5 submitters: Benign (3); Likely benign (4). Last evaluated 2026-01-31.

Conditions:
Greig cephalopolysyndactyly syndrome (GCPS). Also called: GLI3-Related Greig Cephalopolysyndactyly Syndrome; POLYSYNDACTYLY WITH PECULIAR SKULL SHAPE; Greig syndrome. Identifiers: Orphanet 380, MedGen C0265306, MONDO:0008287, OMIM 175700.
Pallister-Hall syndrome (PHS). Also called: HYPOTHALAMIC HAMARTOBLASTOMA, HYPOPITUITARISM, IMPERFORATE ANUS, AND POSTAXIAL POLYDACTYLY; GLI3-Related Pallister-Hall Syndrome. Identifiers: Orphanet 672, MedGen C0265220, MONDO:0007804, OMIM 146510.
Polydactyly. Also called: polydactylism. Identifiers: MedGen C0152427, MONDO:0021003, OMIM 603596, HP:0010442.

Allele frequency attached by ClinVar (database versions not stated): gnomAD exomes 0.00033 and 0.00056; TOPMed 0.00036; ExAC 0.00037; gnomAD 0.00038; ESP Exome Variant Server 0.00046.
gnomAD v4.1: 866 of 1,613,674 alleles (0.054%); highest among the groups gnomAD compares: Non-Finnish European, 0.068%; 2 homozygotes.

Submissions (7):

Labcorp Genetics (formerly Invitae), Labcorp
Classification: Likely benign for Pallister-Hall syndrome; Greig cephalopolysyndactyly syndrome. Last evaluated: 2026-01-31. Review status: criteria provided, single submitter. Criteria: Invitae Variant Classification Sherloc (09022015). Collection method: clinical testing. Allele origin: germline.

CeGaT Center for Human Genetics Tuebingen
Classification: Likely benign. Last evaluated: 2024-12-01. Review status: criteria provided, single submitter. Criteria: CeGaT Center For Human Genetics Tuebingen Variant Classification Criteria Version 2. Collection method: clinical testing. Allele origin: germline. Affected: yes. Observed: 3 variant alleles.
Comment: GLI3: BP4, BP7

Blueprint Genetics
Classification: Likely benign. Last evaluated: 2024-05-23. Review status: criteria provided, single submitter. Criteria: ACMG Guidelines, 2015. Collection method: clinical testing. Allele origin: germline.

GeneDx
Classification: Likely benign. Last evaluated: 2020-06-01. Review status: criteria provided, single submitter. Criteria: GeneDx Variant Classification Process June 2021. Collection method: clinical testing. Allele origin: germline. Affected: yes.

Illumina Laboratory Services, Illumina
Classification: Benign for Polydactyly. Last evaluated: 2018-01-13. Review status: criteria provided, single submitter. Criteria: ICSL Variant Classification Criteria 13 December 2019. Collection method: clinical testing. Allele origin: germline.
Comment: This variant was observed in the ICSL laboratory as part of a predisposition screen in an ostensibly healthy population. It had not been previously curated by ICSL or reported in the Human Gene Mutation Database (HGMD: prior to June 1st, 2018), and was therefore a candidate for classification through an automated scoring system. Utilizing variant allele frequency, disease prevalence and penetrance estimates, and inheritance mode, an automated score was calculated to assess if this variant is too frequent to cause the disease. Based on the score and internal cut-off values, a variant classified as benign is not then subjected to further curation. The score for this variant resulted in a classification of benign for this disease.

Illumina Laboratory Services, Illumina
Classification: Benign for Greig cephalopolysyndactyly syndrome. Last evaluated: 2018-01-13. Review status: criteria provided, single submitter. Criteria: ICSL Variant Classification Criteria 13 December 2019. Collection method: clinical testing. Allele origin: germline.
Comment: the same text as in the submission from Illumina Laboratory Services, Illumina above.

Illumina Laboratory Services, Illumina
Classification: Benign for Pallister-Hall syndrome. Last evaluated: 2018-01-13. Review status: criteria provided, single submitter. Criteria: ICSL Variant Classification Criteria 13 December 2019. Collection method: clinical testing. Allele origin: germline.
Comment: the same text as in the submission from Illumina Laboratory Services, Illumina above.